The following is an entry in ClinVar:

ClinVar aggregate classification (germline): not provided (0 of 4 stars; one submission).

Allele frequency attached by ClinVar (database versions not stated): 1000 Genomes Project 0.00080; gnomAD 0.00082 and 0.00086; TOPMed 0.00086; 1000 Genomes Project 30x 0.00094.
gnomAD v4.1: 123 of 152,280 alleles (0.081%); highest among the groups gnomAD compares: African/African-American, 0.29%; no homozygotes.

Submission:

Human Evolutionary Genetics, Institut Pasteur
No classification provided. Review status: no classification provided. Collection method: not provided. Allele origin: germline.
ClinVar note: Converted during submission from untested to not provided.

NM_001394894.2(NLRP11):c.1841+256A>G

Gene: NLRP11 (NLR family pyrin domain containing 11; minus strand). Cytogenetic location: 19q13.43.
Variant type: single nucleotide variant.
Coding change: c.1841+256A>G on transcript NM_001394894.2 (MANE Select); 256 bases into the intron after coding-DNA position 1841, A replaced by G.
Molecular consequence: intron variant.
Genome position (GRCh38, 1-based): chr19:55,808,513, T>C on the plus strand (A>G on the coding strand, the complement: NLRP11 is on the minus strand). VCF-style: chr19-55808513-T-C. GRCh37 (hg19) VCF-style: chr19-56319879-T-C.
Other names: c.1544+256A>G (NM_001297743.3); c.1841+256A>G (NM_001385451.2, NM_001385453.2, NM_145007.5).
Identifiers: ClinVar variation 103269 (VCV000103269.3), dbSNP rs199476236, ClinGen allele CA230345.